The following is an entry in ClinVar:

ClinVar aggregate classification (germline): Uncertain significance. Review status: criteria provided, multiple submitters, no conflicts (2 of 4 stars). 3 submissions from 3 submitters: Uncertain significance (3). Last evaluated 2026-06-23.

Conditions:
Hereditary cancer-predisposing syndrome. Also called: Neoplastic Syndromes, Hereditary; Hereditary Cancer Syndrome; Hereditary neoplastic syndrome; Tumor predisposition. Identifiers: Orphanet 140162, MedGen C0027672, MeSH D009386, MONDO:0015356.

Allele frequency attached by ClinVar (database versions not stated): gnomAD exomes below 0.00001.
gnomAD v4.1: 4 of 1,611,256 alleles (0.00025%); highest among the groups gnomAD compares: Non-Finnish European, 0.00034%; no homozygotes.

Submissions (3):

Ambry Genetics
Classification: Uncertain significance for Hereditary cancer-predisposing syndrome. Last evaluated: 2026-06-23. Review status: criteria provided, single submitter. Criteria: Ambry Variant Classification Scheme 2023. Collection method: clinical testing. Allele origin: germline.
Comment: The p.E1533D variant (also known as c.4599G>C), located in coding exon 36 of the POLE gene, results from a G to C substitution at nucleotide position 4599. The glutamic acid at codon 1533 is replaced by aspartic acid, an amino acid with highly similar properties. This amino acid position is highly conserved in available vertebrate species. In addition, this alteration is predicted to be tolerated by in silico analysis. Based on the available evidence, the clinical significance of this variant remains unclear.

GeneDx
Classification: Uncertain significance. Last evaluated: 2024-01-02. Review status: criteria provided, single submitter. Criteria: GeneDx Variant Classification Process June 2021. Collection method: clinical testing. Allele origin: germline. Affected: yes.
Comment: Not observed at significant frequency in large population cohorts (gnomAD); In silico analysis supports that this missense variant has a deleterious effect on protein structure/function; Has not been previously published as pathogenic or benign to our knowledge

Labcorp Genetics (formerly Invitae), Labcorp
Classification: Uncertain significance. Last evaluated: 2023-10-13. Review status: criteria provided, single submitter. Criteria: Invitae Variant Classification Sherloc (09022015). Collection method: clinical testing. Allele origin: germline.
Comment: This sequence change replaces glutamic acid, which is acidic and polar, with aspartic acid, which is acidic and polar, at codon 1533 of the POLE protein (p.Glu1533Asp). This variant is not present in population databases (gnomAD no frequency). This variant has not been reported in the literature in individuals affected with POLE-related conditions. ClinVar contains an entry for this variant (Variation ID: 658131). Advanced modeling of protein sequence and biophysical properties (such as structural, functional, and spatial information, amino acid conservation, physicochemical variation, residue mobility, and thermodynamic stability) has been performed at Invitae for this missense variant, however the output from this modeling did not meet the statistical confidence thresholds required to predict the impact of this variant on POLE protein function. In summary, the available evidence is currently insufficient to determine the role of this variant in disease. Therefore, it has been classified as a Variant of Uncertain Significance.

NM_006231.4(POLE):c.4599G>C (p.Glu1533Asp)

Gene: POLE (DNA polymerase epsilon, catalytic subunit; minus strand). Cytogenetic location: 12q24.33.
Variant type: single nucleotide variant.
Coding change: c.4599G>C on transcript NM_006231.4 (MANE Select); coding-DNA position 4599, G replaced by C.
Protein change: p.Glu1533Asp; replaces glutamic acid 1533 with aspartic acid.
Molecular consequence: missense variant.
Genome position (GRCh38, 1-based): chr12:132,642,949, C>G on the plus strand (G>C on the coding strand, the complement: POLE is on the minus strand). VCF-style: chr12-132642949-C-G. GRCh37 (hg19) VCF-style: chr12-133219535-C-G.
Other names: c.4599G>C (NM_006231.2); short protein forms E1533D.
Identifiers: ClinVar variation 658131 (VCV000658131.9), dbSNP rs1593732626, ClinGen allele CA387379216.